The following is an entry in ClinVar:

ClinVar aggregate classification (germline): Uncertain significance (1 of 4 stars; one submission).

Submission:

GeneDx
Classification: Uncertain significance. Last evaluated: 2019-05-15. Review status: criteria provided, single submitter. Criteria: GeneDx Variant Classification Process June 2021. Collection method: clinical testing. Allele origin: germline. Affected: yes.
Comment: Has not been previously published as pathogenic or benign to our knowledge; Not observed in large population cohorts (Lek et al., 2016); In silico analysis, which includes protein predictors and evolutionary conservation, supports that this variant does not alter protein structure/function

NM_020433.5(JPH2):c.673G>A (p.Ala225Thr)

Gene: JPH2 (junctophilin 2; minus strand). Cytogenetic location: 20q13.12.
Variant type: single nucleotide variant.
Coding change: c.673G>A on transcript NM_020433.5 (MANE Select); coding-DNA position 673, G replaced by A.
Protein change: p.Ala225Thr; replaces alanine 225 with threonine.
Molecular consequence: missense variant.
Genome position (GRCh38, 1-based): chr20:44,160,114, C>T on the plus strand (G>A on the coding strand, the complement: JPH2 is on the minus strand). VCF-style: chr20-44160114-C-T. GRCh37 (hg19) VCF-style: chr20-42788754-C-T.
Other names: short protein forms A225T.
Identifiers: ClinVar variation 1305851 (VCV001305851.2), dbSNP rs1456694324, ClinGen allele CA409093912.